The following is an entry in ClinVar:

NM_053025.4(MYLK):c.5741A>G (p.Glu1914Gly)

Genes: MYLK (myosin light chain kinase; minus strand), MYLK-AS1 (MYLK antisense RNA 1; plus strand). Cytogenetic location: 3q21.1.
Variant type: single nucleotide variant.
Coding change: c.5741A>G on transcript NM_053025.4 (MANE Select); coding-DNA position 5741, A replaced by G.
Protein change: p.Glu1914Gly; replaces glutamic acid 1914 with glycine.
Molecular consequence: missense variant.
Genome position (GRCh38, 1-based): chr3:123,614,109, T>C on the plus strand (A>G on the coding strand, the complement: MYLK is on the minus strand). VCF-style: chr3-123614109-T-C. GRCh37 (hg19) VCF-style: chr3-123332956-T-C.
Other names: c.5213A>G, p.Glu1738Gly (NM_001321309.2); c.5534A>G, p.Glu1845Gly (NM_053026.4); c.5588A>G, p.Glu1863Gly (NM_053027.4); c.5381A>G, p.Glu1794Gly (NM_053028.4); c.458A>G, p.Glu153Gly (NM_053031.4); c.461A>G, p.Glu154Gly (NM_053032.4); short protein forms E1863G, E153G, E1845G, E1738G, E1794G, E1914G, E154G.
Identifiers: ClinVar variation 968350 (VCV000968350.9), dbSNP rs1421911091, ClinGen allele CA354228394.

ClinVar aggregate classification (germline): Uncertain significance (1 of 4 stars; one submission).

Conditions:
Aortic aneurysm, familial thoracic 7 (AAT7). Also called: AORTIC DISSECTION, FAMILIAL, WITH OR WITHOUT AORTIC ANEURYSM. Identifiers: MedGen C3151077, MONDO:0013418, OMIM 613780.

Allele frequency attached by ClinVar (database versions not stated): gnomAD 0.00001; TOPMed 0.00001.
gnomAD v4.1: 1 of 1,613,360 alleles (0.000062%); highest among the groups gnomAD compares: Non-Finnish European, 0.000085%; no homozygotes.

Submission:

Labcorp Genetics (formerly Invitae), Labcorp
Classification: Uncertain significance for Aortic aneurysm, familial thoracic 7. Last evaluated: 2019-10-10. Review status: criteria provided, single submitter. Criteria: Invitae Variant Classification Sherloc (09022015). Collection method: clinical testing. Allele origin: germline.
Comment: This variant is not present in population databases (ExAC no frequency). In summary, the available evidence is currently insufficient to determine the role of this variant in disease. Therefore, it has been classified as a Variant of Uncertain Significance. Algorithms developed to predict the effect of missense changes on protein structure and function (SIFT, PolyPhen-2, Align-GVGD) all suggest that this variant is likely to be tolerated, but these predictions have not been confirmed by published functional studies and their clinical significance is uncertain. This variant has not been reported in the literature in individuals with MYLK-related conditions. This sequence change replaces glutamic acid with glycine at codon 1914 of the MYLK protein (p.Glu1914Gly). The glutamic acid residue is moderately conserved and there is a moderate physicochemical difference between glutamic acid and glycine.